The following is an entry in ClinVar:

NM_000018.4(ACADVL):c.638C>T (p.Ala213Val)

Gene: ACADVL (acyl-CoA dehydrogenase very long chain; plus strand). Cytogenetic location: 17p13.1.
Variant type: single nucleotide variant.
Coding change: c.638C>T on transcript NM_000018.4 (MANE Select); coding-DNA position 638, C replaced by T.
Protein change: p.Ala213Val; replaces alanine 213 with valine.
Molecular consequence: missense variant.
Genome position (GRCh38, 1-based): chr17:7,221,967, C>T. VCF-style: chr17-7221967-C-T. GRCh37 (hg19) VCF-style: chr17-7125286-C-T.
Other names: c.572C>T, p.Ala191Val (NM_001033859.3); c.707C>T, p.Ala236Val (NM_001270447.2); c.410C>T, p.Ala137Val (NM_001270448.2); short protein forms A236V, A191V, A137V, A213V.
Identifiers: ClinVar variation 932796 (VCV000932796.5), dbSNP rs2071252145, ClinGen allele CA397723366.
Genomic context (GRCh38, chr17:7,221,967, plus strand): 5'-TGAAGCTCATCAGAACTTGGGGTAAAGTAGCTCTCTCCCCAACAGGGGAGACTGTGGCCG[C>T]TTTCTGTCTAACCGAGCCCTCAAGCGGGTCAGATGCAGCCTCCATCCGAACCTCTGCTGT-3'
Protein context (NP_000009.1, residues 203-223): PKLASGETVA[Ala213Val]FCLTEPSSGS

ClinVar aggregate classification (germline): Conflicting classifications of pathogenicity. Review status: criteria provided, conflicting classifications (1 of 4 stars). 2 submissions from 2 submitters: Likely pathogenic (1); Uncertain significance (1). Last evaluated 2022-11-29.

Conditions:
Very long chain acyl-CoA dehydrogenase deficiency (ACADVLD). Also called: Very Long-Chain Acyl-Coenzyme A Dehydrogenase Deficiency; VLCAD Deficiency. Identifiers: Orphanet 26793, MedGen C3887523, MONDO:0008723, OMIM 201475.

Submissions (2):

Labcorp Genetics (formerly Invitae), Labcorp
Classification: Likely pathogenic for Very long chain acyl-CoA dehydrogenase deficiency. Last evaluated: 2022-11-29. Review status: criteria provided, single submitter. Criteria: Invitae Variant Classification Sherloc (09022015). Collection method: clinical testing. Allele origin: germline.
Comment: In summary, the currently available evidence indicates that the variant is pathogenic, but additional data are needed to prove that conclusively. Therefore, this variant has been classified as Likely Pathogenic. This variant disrupts the p.Ala213 amino acid residue in ACADVL. Other variant(s) that disrupt this residue have been determined to be pathogenic (PMID: 12213615, 24801231; Invitae). This suggests that this residue is clinically significant, and that variants that disrupt this residue are likely to be disease-causing. Advanced modeling of protein sequence and biophysical properties (such as structural, functional, and spatial information, amino acid conservation, physicochemical variation, residue mobility, and thermodynamic stability) performed at Invitae indicates that this missense variant is expected to disrupt ACADVL protein function. ClinVar contains an entry for this variant (Variation ID: 932796). This variant has not been reported in the literature in individuals affected with ACADVL-related conditions. This variant is not present in population databases (gnomAD no frequency). This sequence change replaces alanine, which is neutral and non-polar, with valine, which is neutral and non-polar, at codon 213 of the ACADVL protein (p.Ala213Val).

Wong Mito Lab, Molecular and Human Genetics, Baylor College of Medicine
Classification: Uncertain significance for Very long chain acyl-CoA dehydrogenase deficiency. Last evaluated: 2019-11-01. Review status: criteria provided, single submitter. Criteria: ACMG Guidelines, 2015. Collection method: clinical testing. Allele origin: germline.
Comment: The NM_000018.3:c.638C>T (NP_000009.1:p.Ala213Val) [GRCH38: NC_000017.11:g.7221967C>T] variant in ACADVL gene is interpretated to be Uncertain Significance based on ACMG guidelines (PMID: 25741868). This variant has been reported. This variant meets the following evidence codes reported in the ACMG guidelines: PM5, PP3

Literature cited by the submitters: PubMed 12213615 (cited by Labcorp Genetics (formerly Invitae), Labcorp); PubMed 24801231 (cited by Labcorp Genetics (formerly Invitae), Labcorp).